The following is an entry in ClinVar:

ClinVar aggregate classification (germline): Uncertain significance (1 of 4 stars; one submission).

Conditions:
MHC class I deficiency. Identifiers: Orphanet 34592, MedGen C6024714, MONDO:0011476.

Submission:

Labcorp Genetics (formerly Invitae), Labcorp
Classification: Uncertain significance for MHC class I deficiency 1. Last evaluated: 2025-07-01. Review status: criteria provided, single submitter. Criteria: Invitae Variant Classification Sherloc (09022015). Collection method: clinical testing. Allele origin: germline.
Comment: This sequence change falls in intron 2 of the TAPBP gene. It does not directly change the encoded amino acid sequence of the TAPBP protein. It affects a nucleotide within the consensus splice site. This variant is not present in population databases (gnomAD no frequency). This variant has not been reported in the literature in individuals affected with TAPBP-related conditions. ClinVar contains an entry for this variant (Variation ID: 2198949). Variants that disrupt the consensus splice site are a relatively common cause of aberrant splicing (PMID: 17576681, 9536098). Algorithms developed to predict the effect of sequence changes on RNA splicing suggest that this variant is not likely to affect RNA splicing. In summary, the available evidence is currently insufficient to determine the role of this variant in disease. Therefore, it has been classified as a Variant of Uncertain Significance.

Literature cited by the submitters: PubMed 17576681; PubMed 9536098.

NM_003190.5(TAPBP):c.209-3C>T

Gene: TAPBP (TAP binding protein; minus strand). Cytogenetic location: 6p21.32.
Variant type: single nucleotide variant.
Coding change: c.209-3C>T on transcript NM_003190.5 (MANE Select); 3 bases into the intron before coding-DNA position 209, C replaced by T.
Molecular consequence: intron variant.
Genome position (GRCh38, 1-based): chr6:33,313,480, G>A on the plus strand (C>T on the coding strand, the complement: TAPBP is on the minus strand). VCF-style: chr6-33313480-G-A. GRCh37 (hg19) VCF-style: chr6-33281257-G-A.
Other names: c.208+214C>T (NM_172209.3); c.209-3C>T (NM_172208.3).
Identifiers: ClinVar variation 2198949 (VCV002198949.4), dbSNP rs2536778660, ClinGen allele CA2580074367.
Genomic context (GRCh38, chr6:33,313,480, plus strand): 5'-GGTGCGGGGGCGCCCCGGGGATACCGCCTGAAGGCAGCCTGGAGGGCGCCCGCGGGGTCT[G>A]AGTGTAGAGAAGGAAGTTGCAGCTGTAGAGTCACCGCCGGGAAAGGGGCTGGAAGGGCAG-3'